The following is an entry in ClinVar:

ClinVar aggregate classification (germline): Benign (1 of 4 stars; one submission).

Conditions:
Hereditary diffuse gastric adenocarcinoma (HDGC). Also called: DIFFUSE GASTRIC AND LOBULAR BREAST CANCER SYNDROME. Identifiers: Orphanet 26106, MedGen C1708349, MONDO:0007648, OMIM 137215.

Submission:

Myriad Genetics, Inc.
Classification: Benign for Hereditary diffuse gastric adenocarcinoma. Last evaluated: 2024-09-23. Review status: criteria provided, single submitter. Criteria: Myriad Autosomal Dominant, Autosomal Recessive and X-Linked Classification Criteria (2023). Collection method: clinical testing. Allele origin: unknown.
Comment: This variant is considered benign. This variant is a silent/synonymous amino acid change and it is not expected to impact splicing.

NM_004360.5(CDH1):c.2328G>T (p.Leu776=)

Gene: CDH1 (cadherin 1; plus strand). Cytogenetic location: 16q22.1.
Variant type: single nucleotide variant.
Coding change: c.2328G>T on transcript NM_004360.5 (MANE Select); coding-DNA position 2328, G replaced by T.
Protein change: p.Leu776=; no amino-acid change (leucine 776 retained).
Molecular consequence: synonymous variant.
Genome position (GRCh38, 1-based): chr16:68,829,686, G>T. VCF-style: chr16-68829686-G-T. GRCh37 (hg19) VCF-style: chr16-68863589-G-T.
Other names: c.2145G>T, p.Leu715= (NM_001317184.2); c.780G>T, p.Leu260= (NM_001317185.2); c.363G>T, p.Leu121= (NM_001317186.2).
Identifiers: ClinVar variation 3378735 (VCV003378735.1).
Genomic context (GRCh38, chr16:68,829,686, plus strand): 5'-ATTGTACTTCAACCTTTTTTCTCCAAAGGACTTTGACTTGAGCCAGCTGCACAGGGGCCT[G>T]GACGCTCGGCCTGAAGTGACTCGTAACGACGTTGCACCAACCCTCATGAGTGTCCCCCGG-3'
Protein context (NP_004351.1, residues 766-786): DFDLSQLHRG[Leu776=]DARPEVTRND